The following is an entry in ClinVar:

ClinVar aggregate classification (germline): Uncertain significance. Review status: criteria provided, multiple submitters, no conflicts (2 of 4 stars). 6 submissions from 6 submitters: Uncertain significance (6). Last evaluated 2026-05-07.

Conditions:
Arrhythmogenic right ventricular dysplasia 12. Also called: ARRHYTHMOGENIC RIGHT VENTRICULAR DYSPLASIA, FAMILIAL, 12. Identifiers: MedGen C1969081, MONDO:0012684, OMIM 611528.
Naxos disease (NXD). Also called: CARDIOMYOPATHY, ARRHYTHMOGENIC RIGHT VENTRICULAR, WITH SKIN, HAIR, AND NAIL ABNORMALITIES; KERATOSIS PALMOPLANTARIS WITH ARRHYTHMOGENIC CARDIOMYOPATHY; MAL DE NAXOS; PALMOPLANTAR KERATODERMA WITH ARRHYTHMOGENIC RIGHT VENTRICULAR CARDIOMYOPATHY AND WOOLLY HAIR; WOOLLY HAIR, PALMOPLANTAR KERATODERMA, AND CARDIAC ABNORMALITIES. Identifiers: Orphanet 34217, MedGen C1832600, MONDO:0011017, OMIM 601214.
Cardiovascular phenotype. Identifiers: MedGen CN230736.

Allele frequency attached by ClinVar (database versions not stated): ExAC 0.00001; gnomAD exomes 0.00001 and 0.00008; TOPMed 0.00003; gnomAD 0.00005.
gnomAD v4.1: 120 of 1,614,022 alleles (0.0074%); highest among the groups gnomAD compares: Non-Finnish European, 0.0094%; no homozygotes.

Submissions (6):

GeneDx
Classification: Uncertain significance. Last evaluated: 2026-05-07. Review status: criteria provided, single submitter. Criteria: GeneDx Variant Classification Process June 2021. Collection method: clinical testing. Allele origin: germline.
Comment: Has not been previously published as pathogenic or benign to our knowledge; Not observed at significant frequency in large population cohorts (gnomAD); In silico analysis supports that this missense variant has a deleterious effect on protein structure/function

Labcorp Genetics (formerly Invitae), Labcorp
Classification: Uncertain significance for Arrhythmogenic right ventricular dysplasia 12; Naxos disease. Last evaluated: 2025-10-28. Review status: criteria provided, single submitter. Criteria: Invitae Variant Classification Sherloc (09022015). Collection method: clinical testing. Allele origin: germline.
Comment: This sequence change replaces arginine, which is basic and polar, with histidine, which is basic and polar, at codon 333 of the JUP protein (p.Arg333His). This variant is present in population databases (rs727503099, gnomAD 0.003%). This variant has not been reported in the literature in individuals affected with JUP-related conditions. ClinVar contains an entry for this variant (Variation ID: 163720). An algorithm developed to predict the effect of missense changes on protein structure and function (PolyPhen-2) suggests that this variant is likely to be disruptive. In summary, the available evidence is currently insufficient to determine the role of this variant in disease. Therefore, it has been classified as a Variant of Uncertain Significance.

Ambry Genetics
Classification: Uncertain significance for Cardiovascular phenotype. Last evaluated: 2024-12-07. Review status: criteria provided, single submitter. Criteria: Ambry Variant Classification Scheme 2023. Collection method: clinical testing. Allele origin: germline.

Blueprint Genetics
Classification: Uncertain significance. Last evaluated: 2024-10-25. Review status: criteria provided, single submitter. Criteria: ACMG Guidelines, 2015. Collection method: clinical testing. Allele origin: germline.

Fulgent Genetics
Classification: Uncertain significance for Naxos disease; Arrhythmogenic right ventricular dysplasia 12. Last evaluated: 2021-09-01. Review status: criteria provided, single submitter. Criteria: ACMG Guidelines, 2015. Collection method: clinical testing. Allele origin: unknown.

Laboratory for Molecular Medicine, Mass General Brigham Personalized Medicine
Classification: Uncertain significance. Last evaluated: 2013-04-21. Review status: criteria provided, single submitter. Criteria: LMM Criteria. Collection method: clinical testing. Allele origin: germline. Observed: 1 variant allele.
Comment: The Arg333His variant in JUP has not been reported in individuals with cardiomyo pathy or in large population studies. Computational analyses (biochemical amino acid properties, conservation, AlignGVGD, PolyPhen2, and SIFT) do not provide st rong support for or against an impact to the protein. Additional studies are nee ded to fully assess the clinical significance of this variant.

NM_002230.4(JUP):c.998G>A (p.Arg333His)

Gene: JUP (junction plakoglobin; minus strand). Cytogenetic location: 17q21.2.
Variant type: single nucleotide variant.
Coding change: c.998G>A on transcript NM_002230.4 (MANE Select); coding-DNA position 998, G replaced by A.
Protein change: p.Arg333His; replaces arginine 333 with histidine.
Molecular consequence: missense variant.
Genome position (GRCh38, 1-based): chr17:41,764,979, C>T on the plus strand (G>A on the coding strand, the complement: JUP is on the minus strand). VCF-style: chr17-41764979-C-T. GRCh37 (hg19) VCF-style: chr17-39921231-C-T.
Other names: c.998G>A, p.Arg333His (NM_001352773.2, NM_001352774.2, NM_001352775.2 and 3 more transcripts); short protein forms R333H.
Identifiers: ClinVar variation 163720 (VCV000163720.29), dbSNP rs727503099, ClinGen allele CA176389.